The following is an entry in ClinVar:

NM_001388492.1(HTT):c.4477A>G (p.Ile1493Val)

Gene: HTT (huntingtin; plus strand). Cytogenetic location: 4p16.3.
Variant type: single nucleotide variant.
Coding change: c.4477A>G on transcript NM_001388492.1 (MANE Select); coding-DNA position 4477, A replaced by G.
Protein change: p.Ile1493Val; replaces isoleucine 1493 with valine.
Molecular consequence: missense variant.
Genome position (GRCh38, 1-based): chr4:3,178,311, A>G. VCF-style: chr4-3178311-A-G. GRCh37 (hg19) VCF-style: chr4-3180038-A-G.
Other names: c.4483A>G, p.Ile1495Val (NM_002111.8); short protein forms I1493V, I1495V.
Identifiers: ClinVar variation 1446781 (VCV001446781.6), dbSNP rs765822494, ClinGen allele CA2824456.

ClinVar aggregate classification (germline): Uncertain significance (1 of 4 stars; one submission).

Allele frequency attached by ClinVar (database versions not stated): gnomAD 0.00003; gnomAD exomes 0.00004 and 0.00011; ExAC 0.00005; TOPMed 0.00005.
gnomAD v4.1: 159 of 1,608,166 alleles (0.0099%); highest among the groups gnomAD compares: Non-Finnish European, 0.013%; no homozygotes.

Submission:

Labcorp Genetics (formerly Invitae), Labcorp
Classification: Uncertain significance. Last evaluated: 2022-08-16. Review status: criteria provided, single submitter. Criteria: Invitae Variant Classification Sherloc (09022015). Collection method: clinical testing. Allele origin: germline.
Comment: This sequence change replaces isoleucine, which is neutral and non-polar, with valine, which is neutral and non-polar, at codon 1495 of the HTT protein (p.Ile1495Val). This variant is present in population databases (rs765822494, gnomAD 0.03%). This variant has not been reported in the literature in individuals affected with HTT-related conditions. ClinVar contains an entry for this variant (Variation ID: 1446781). Experimental studies and prediction algorithms are not available or were not evaluated, and the functional significance of this variant is currently unknown. In summary, the available evidence is currently insufficient to determine the role of this variant in disease. Therefore, it has been classified as a Variant of Uncertain Significance.